The following is an entry in ClinVar:

NM_013275.6(ANKRD11):c.5554_5556del (p.Ser1852del)

Gene: ANKRD11 (ankyrin repeat domain 11; minus strand). Cytogenetic location: 16q24.3.
Variant type: Deletion.
Coding change: c.5554_5556del on transcript NM_013275.6 (MANE Select); coding-DNA positions 5554 to 5556, 3 bases deleted (TCC; older notation c.5554_5556delTCC).
Protein change: p.Ser1852del; deletes serine 1852.
Molecular consequence: inframe deletion.
Genome position (GRCh38, 1-based): chr16:89,280,986-89,280,988, GGA deleted on the plus strand (TCC on the coding strand, the reverse complement: ANKRD11 is on the minus strand); deleting any 3 consecutive bases within chr16:89,280,986-89,280,989 gives the same sequence; the c. name uses the placement nearest the transcript's 3' end. VCF-style (leftmost placement, unchanged base first): chr16-89280985-GGGA-G. GRCh37 (hg19) VCF-style: chr16-89347393-GGGA-G.
Other names: c.5554_5556del, p.Ser1852del (NM_001256183.2, NM_001256182.2); short protein forms S1852del.
Identifiers: ClinVar variation 3006305 (VCV003006305.3), dbSNP rs1371588776, ClinGen allele CA624452389.

ClinVar aggregate classification (germline): Uncertain significance (1 of 4 stars; one submission).

Conditions:
KBG syndrome (KBGS). Also called: ANKRD11-Related KBG Syndrome. Identifiers: Orphanet 2332, MedGen C0220687, MONDO:0007846, OMIM 148050.

Submission:

Labcorp Genetics (formerly Invitae), Labcorp
Classification: Uncertain significance for KBG syndrome. Last evaluated: 2023-04-15. Review status: criteria provided, single submitter. Criteria: Invitae Variant Classification Sherloc (09022015). Collection method: clinical testing. Allele origin: germline.
Comment: In summary, the available evidence is currently insufficient to determine the role of this variant in disease. Therefore, it has been classified as a Variant of Uncertain Significance. Experimental studies and prediction algorithms are not available or were not evaluated, and the functional significance of this variant is currently unknown. This variant has not been reported in the literature in individuals affected with ANKRD11-related conditions. This variant is present in population databases (no rsID available, gnomAD 0.004%). This variant, c.5554_5556del, results in the deletion of 1 amino acid(s) of the ANKRD11 protein (p.Ser1852del), but otherwise preserves the integrity of the reading frame.